The following is an entry in ClinVar:

ClinVar aggregate classification (germline): Uncertain significance (1 of 4 stars; one submission).

Allele frequency attached by ClinVar (database versions not stated): gnomAD exomes below 0.00001.
gnomAD v4.1: 5 of 1,614,040 alleles (0.00031%); highest among the groups gnomAD compares: Non-Finnish European, 0.00042%; no homozygotes.

Submission:

Women's Health and Genetics/Laboratory Corporation of America, LabCorp
Classification: Uncertain significance. Last evaluated: 2023-11-01. Review status: criteria provided, single submitter. Criteria: LabCorp Variant Classification Summary - May 2015. Collection method: clinical testing. Allele origin: germline.
Comment: Variant summary: EVC2 c.2293A>G (p.Lys765Glu) results in a conservative amino acid change in the encoded protein sequence. Three of five in-silico tools predict a benign effect of the variant on protein function. The variant allele was found at a frequency of 4e-06 in 251340 control chromosomes. The available data on variant occurrences in the general population are insufficient to allow any conclusion about variant significance. To our knowledge, no occurrence of c.2293A>G in individuals affected with Ellis-van Creveld syndrome and no experimental evidence demonstrating its impact on protein function have been reported. No submitters have cited clinical-significance assessments for this variant to ClinVar after 2014. Based on the evidence outlined above, the variant was classified as uncertain significance.

NM_147127.5(EVC2):c.2293A>G (p.Lys765Glu)

Gene: EVC2 (EvC ciliary complex subunit 2; minus strand). Cytogenetic location: 4p16.2.
Variant type: single nucleotide variant.
Coding change: c.2293A>G on transcript NM_147127.5 (MANE Select); coding-DNA position 2293, A replaced by G.
Protein change: p.Lys765Glu; replaces lysine 765 with glutamic acid.
Molecular consequence: missense variant.
Genome position (GRCh38, 1-based): chr4:5,622,745, T>C on the plus strand (A>G on the coding strand, the complement: EVC2 is on the minus strand). VCF-style: chr4-5622745-T-C. GRCh37 (hg19) VCF-style: chr4-5624472-T-C.
Other names: c.2053A>G, p.Lys685Glu (NM_001166136.2); short protein forms K685E, K765E.
Identifiers: ClinVar variation 2682382 (VCV002682382.1), dbSNP rs1239188801, ClinGen allele CA356144767.